The following is an entry in ClinVar:

ClinVar aggregate classification (germline): Uncertain significance (1 of 4 stars; one submission).

Submission:

Labcorp Genetics (formerly Invitae), Labcorp
Classification: Uncertain significance. Last evaluated: 2021-09-24. Review status: criteria provided, single submitter. Criteria: Invitae Variant Classification Sherloc (09022015). Collection method: clinical testing. Allele origin: germline.
Comment: This sequence change replaces aspartic acid with valine at codon 1131 of the LOXHD1 protein (p.Asp1131Val). The aspartic acid residue is highly conserved and there is a large physicochemical difference between aspartic acid and valine. This variant is not present in population databases (ExAC no frequency). This variant has not been reported in the literature in individuals with LOXHD1-related conditions. Algorithms developed to predict the effect of missense changes on protein structure and function (SIFT, PolyPhen-2, Align-GVGD) all suggest that this variant is likely to be disruptive, but these predictions have not been confirmed by published functional studies and their clinical significance is uncertain. In summary, the available evidence is currently insufficient to determine the role of this variant in disease. Therefore, it has been classified as a Variant of Uncertain Significance.

NM_001384474.1(LOXHD1):c.3392A>T (p.Asp1131Val)

Gene: LOXHD1 (lipoxygenase homology PLAT domains 1; minus strand). Cytogenetic location: 18q21.1.
Variant type: single nucleotide variant.
Coding change: c.3392A>T on transcript NM_001384474.1 (MANE Select); coding-DNA position 3392, A replaced by T.
Protein change: p.Asp1131Val; replaces aspartic acid 1131 with valine.
Molecular consequence: missense variant. On other transcripts: 5 prime UTR variant (1).
Genome position (GRCh38, 1-based): chr18:46,547,017, T>A on the plus strand (A>T on the coding strand, the complement: LOXHD1 is on the minus strand). VCF-style: chr18-46547017-T-A. GRCh37 (hg19) VCF-style: chr18-44126980-T-A.
Other names: c.59A>T, p.Asp20Val (NM_001145472.3); c.-230A>T (NM_001308013.2); c.3392A>T, p.Asp1131Val (NM_144612.7); short protein forms D1131V, D20V.
Identifiers: ClinVar variation 2419765 (VCV002419765.3), dbSNP rs1022606346, ClinGen allele CA299786228.